The following is an entry in ClinVar:

NM_021098.3(CACNA1H):c.5324-4G>A

Gene: CACNA1H (calcium voltage-gated channel subunit alpha1 H; plus strand). Cytogenetic location: 16p13.3.
Variant type: single nucleotide variant.
Coding change: c.5324-4G>A on transcript NM_021098.3 (MANE Select); 4 bases into the intron before coding-DNA position 5324, G replaced by A.
Molecular consequence: intron variant.
Genome position (GRCh38, 1-based): chr16:1,217,915, G>A. VCF-style: chr16-1217915-G-A. GRCh37 (hg19) VCF-style: chr16-1267915-G-A.
Other names: p.?; c.5306-4G>A (NM_001005407.2).
Identifiers: ClinVar variation 529687 (VCV000529687.17), dbSNP rs57687113, ClinGen allele CA7801972.

ClinVar aggregate classification (germline): Benign/Likely benign. Review status: criteria provided, multiple submitters, no conflicts (2 of 4 stars). 6 submissions from 6 submitters: Benign (3); Likely benign (1). 2 of the submissions do not count toward it. Last evaluated 2026-01-25.

Conditions:
Idiopathic generalized epilepsy. Also called: Generalised epilepsy; EIG. Identifiers: MedGen C0270850, MONDO:0005579, OMIM 600669.
Hyperaldosteronism, familial, type IV (HALD4). Also called: FH IV; ALDOSTERONISM, PRIMARY, AND HYPERTENSION. Identifiers: Orphanet 642671, MedGen C4310756, MONDO:0014875, OMIM 617027.
Epilepsy, childhood absence, susceptibility to, 6. Identifiers: Orphanet 64280, MedGen C2749872, MONDO:0012763, OMIM 611942.

Allele frequency attached by ClinVar (database versions not stated): gnomAD exomes 0.00113; ExAC 0.00226; gnomAD 0.00519 and 0.00558; 1000 Genomes Project 30x 0.00547; 1000 Genomes Project 0.00579; TOPMed 0.00623; ESP Exome Variant Server 0.00644.
gnomAD v4.1: 1,652 of 1,598,276 alleles (0.1%); highest among the groups gnomAD compares: African/African-American, 1.8%; 12 homozygotes.

Submissions (6):

Labcorp Genetics (formerly Invitae), Labcorp
Classification: Benign for Idiopathic generalized epilepsy; Hyperaldosteronism, familial, type IV. Last evaluated: 2026-01-25. Review status: criteria provided, single submitter. Criteria: Invitae Variant Classification Sherloc (09022015). Collection method: clinical testing. Allele origin: germline.

Mayo Clinic Laboratories, Mayo Clinic
Classification: Benign. Last evaluated: 2024-12-13. Review status: criteria provided, single submitter. Criteria: ACMG Guidelines, 2015. Collection method: clinical testing. Allele origin: germline. Observed: 1 variant allele.
Comment: BS1, BS2, BP4, BP7

Blueprint Genetics
Classification: Likely benign. Last evaluated: 2024-10-18. Review status: criteria provided, single submitter. Criteria: ACMG Guidelines, 2015. Collection method: clinical testing. Allele origin: germline.

Fulgent Genetics
Classification: Benign for Epilepsy, childhood absence, susceptibility to, 6; Hyperaldosteronism, familial, type IV. Last evaluated: 2021-08-04. Review status: criteria provided, single submitter. Criteria: ACMG Guidelines, 2015. Collection method: clinical testing. Allele origin: unknown.

Genome Diagnostics Laboratory, University Medical Center Utrecht
Classification: Likely benign. Review status: no assertion criteria provided. Collection method: clinical testing. Allele origin: germline. Affected: yes. Study: VKGL Data-share Consensus. Not counted in ClinVar's aggregate classification.

Laboratory of Diagnostic Genome Analysis, Leiden University Medical Center (LUMC)
Classification: Likely benign. Review status: no assertion criteria provided. Collection method: clinical testing. Allele origin: germline. Affected: yes. Study: VKGL Data-share Consensus. Not counted in ClinVar's aggregate classification.